The following is an entry in ClinVar:

ClinVar aggregate classification (germline): Uncertain significance (1 of 4 stars; one submission).

Conditions:
Inborn genetic diseases. Identifiers: MedGen C0950123, MeSH D030342.

Submission:

Ambry Genetics
Classification: Uncertain significance for Inborn genetic diseases. Last evaluated: 2025-05-31. Review status: criteria provided, single submitter. Criteria: Ambry Variant Classification Scheme 2023. Collection method: clinical testing. Allele origin: germline.
Comment: The p.S936L variant (also known as c.2807C>T), located in coding exon 1 of the SAMD9 gene, results from a C to T substitution at nucleotide position 2807. The serine at codon 936 is replaced by leucine, an amino acid with dissimilar properties. This amino acid position is conserved. In addition, this alteration is predicted to be tolerated by in silico analysis. Based on the available evidence, the clinical significance of this variant remains unclear.

NM_017654.4(SAMD9):c.2807C>T (p.Ser936Leu)

Gene: SAMD9 (sterile alpha motif domain containing 9; minus strand). Cytogenetic location: 7q21.2.
Variant type: single nucleotide variant.
Coding change: c.2807C>T on transcript NM_017654.4 (MANE Select); coding-DNA position 2807, C replaced by T.
Protein change: p.Ser936Leu; replaces serine 936 with leucine.
Molecular consequence: missense variant.
Genome position (GRCh38, 1-based): chr7:93,103,291, G>A on the plus strand (C>T on the coding strand, the complement: SAMD9 is on the minus strand). VCF-style: chr7-93103291-G-A. GRCh37 (hg19) VCF-style: chr7-92732604-G-A.
Other names: c.2807C>T, p.Ser936Leu (NM_001193307.2); short protein forms S936L.
Identifiers: ClinVar variation 3949684 (VCV003949684.1).